The following is an entry in ClinVar:

ClinVar aggregate classification (germline): Uncertain significance (1 of 4 stars; one submission).

Conditions:
Anophthalmia/microphthalmia-esophageal atresia syndrome (MCOPS3). Also called: AEG SYNDROME; MICROPHTHALMIA AND ESOPHAGEAL ATRESIA SYNDROME; SOX2 Disorder. Identifiers: Orphanet 77298, MedGen C1859773, MONDO:0008799, OMIM 206900.

Allele frequency attached by ClinVar (database versions not stated): ExAC 0.00004; gnomAD 0.00004.
gnomAD v4.1: 28 of 1,608,480 alleles (0.0017%); highest among the groups gnomAD compares: African/African-American, 0.0013%; no homozygotes.

Submission:

Labcorp Genetics (formerly Invitae), Labcorp
Classification: Uncertain significance for Anophthalmia/microphthalmia-esophageal atresia syndrome. Last evaluated: 2022-02-08. Review status: criteria provided, single submitter. Criteria: Invitae Variant Classification Sherloc (09022015). Collection method: clinical testing. Allele origin: germline.
Comment: This sequence change replaces glycine, which is neutral and non-polar, with serine, which is neutral and polar, at codon 169 of the SOX2 protein (p.Gly169Ser). This variant is present in population databases (rs771393751, gnomAD 0.06%), and has an allele count higher than expected for a pathogenic variant. This variant has not been reported in the literature in individuals affected with SOX2-related conditions. Algorithms developed to predict the effect of missense changes on protein structure and function are either unavailable or do not agree on the potential impact of this missense change (SIFT: "Deleterious"; PolyPhen-2: "Benign"; Align-GVGD: "Class C55"). In summary, the available evidence is currently insufficient to determine the role of this variant in disease. Therefore, it has been classified as a Variant of Uncertain Significance.

NM_003106.4(SOX2):c.505G>A (p.Gly169Ser)

Genes: SOX2-OT (SOX2 overlapping transcript; plus strand), SOX2 (SRY-box transcription factor 2; plus strand), LOC108281177 (SOX2 5' regulatory region; plus strand). Cytogenetic location: 3q26.33.
Variant type: single nucleotide variant.
Coding change: c.505G>A on transcript NM_003106.4 (MANE Select); coding-DNA position 505, G replaced by A.
Protein change: p.Gly169Ser; replaces glycine 169 with serine.
Molecular consequence: missense variant.
Genome position (GRCh38, 1-based): chr3:181,712,865, G>A. VCF-style: chr3-181712865-G-A. GRCh37 (hg19) VCF-style: chr3-181430653-G-A.
Other names: short protein forms G169S.
Identifiers: ClinVar variation 2095039 (VCV002095039.4), dbSNP rs771393751, ClinGen allele CA2717279.